The following is an entry in ClinVar:

NM_002292.4(LAMB2):c.2344+4_2344+7del

Gene: LAMB2 (laminin subunit beta 2; minus strand). Cytogenetic location: 3p21.31.
Variant type: Deletion.
Coding change: c.2344+4_2344+7del on transcript NM_002292.4 (MANE Select); bases 4 to 7 of the intron after coding-DNA position 2344, 4 bases deleted (AGTG; older notation c.2344+4_2344+7delAGTG).
Molecular consequence: splice donor variant.
Genome position (GRCh38, 1-based): chr3:49,125,960-49,125,963, CACT deleted on the plus strand (AGTG on the coding strand, the reverse complement: LAMB2 is on the minus strand); deleting any 4 consecutive bases within chr3:49,125,960-49,125,966 gives the same sequence; the c. name uses the placement nearest the transcript's 3' end. VCF-style (leftmost placement, unchanged base first): chr3-49125959-ACACT-A. GRCh37 (hg19) VCF-style: chr3-49163392-ACACT-A.
Identifiers: ClinVar variation 2198857 (VCV002198857.3), dbSNP rs774329010, ClinGen allele CA2394323.
Genomic context (GRCh38, chr3:49,125,959, plus strand): 5'-AGGAGGGTTGGGCCAAGTCAGGCTGGGTCCCCACCTCTGCCCCATCAACCCACATCACAG[ACACT>A]CACGCAGGGCACCATTGTAGATGAGGGTGGACAGGCTGATGAGGAGGGGTGCGCAGGCCT-3'

ClinVar aggregate classification (germline): Uncertain significance (1 of 4 stars; one submission).

Conditions:
LAMB2-related infantile-onset nephrotic syndrome. Also called: NEPHROTIC SYNDROME, TYPE 5, WITHOUT OCULAR ABNORMALITIES; NEPHROTIC SYNDROME, TYPE 5, WITH OCULAR ABNORMALITIES; Nephrotic Syndrome, type 5. Identifiers: Orphanet 306507, MedGen C3280113, MONDO:0013621, OMIM 614199.
Pierson syndrome. Also called: MICROCORIA-CONGENITAL NEPHROTIC SYNDROME. Identifiers: Orphanet 2670, MedGen C1836876, MONDO:0012184, OMIM 609049.

Submission:

Labcorp Genetics (formerly Invitae), Labcorp
Classification: Uncertain significance for LAMB2-related infantile-onset nephrotic syndrome; Pierson syndrome. Last evaluated: 2023-05-15. Review status: criteria provided, single submitter. Criteria: Invitae Variant Classification Sherloc (09022015). Collection method: clinical testing. Allele origin: germline.
Comment: This sequence change falls in intron 17 of the LAMB2 gene. It does not directly change the encoded amino acid sequence of the LAMB2 protein. It affects a nucleotide within the consensus splice site. This variant is present in population databases (rs774329010, gnomAD 0.007%). This variant has not been reported in the literature in individuals affected with LAMB2-related conditions. ClinVar contains an entry for this variant (Variation ID: 2198857). Variants that disrupt the consensus splice site are a relatively common cause of aberrant splicing (PMID: 17576681, 9536098). Algorithms developed to predict the effect of sequence changes on RNA splicing suggest that this variant may disrupt the consensus splice site. In summary, the available evidence is currently insufficient to determine the role of this variant in disease. Therefore, it has been classified as a Variant of Uncertain Significance.

Literature cited by the submitters: PubMed 17576681; PubMed 9536098.